The following is an entry in ClinVar:

NM_000535.7(PMS2):c.2397_2400dup (p.Ser801fs)

Gene: PMS2 (PMS1 homolog 2, mismatch repair system component; minus strand). Cytogenetic location: 7p22.1.
Variant type: Duplication.
Coding change: c.2397_2400dup on transcript NM_000535.7 (MANE Select); coding-DNA positions 2397 to 2400, 4 bases duplicated (GCCT; older notation c.2397_2400dupGCCT).
Protein change: p.Ser801fs; shifts the reading frame from serine 801.
Molecular consequence: frameshift variant. On other transcripts: non-coding transcript variant (1).
Genome position (GRCh38, 1-based): chr7:5,977,633-5,977,636, AGGC duplicated on the plus strand (GCCT on the coding strand, the reverse complement: PMS2 is on the minus strand). VCF-style (leftmost placement, unchanged base first): chr7-5977632-A-AAGGC. GRCh37 (hg19) VCF-style: chr7-6017263-A-AAGGC.
Other names: c.1992_1995dup, p.Ser666fs (NM_001322003.2, NM_001322004.2, NM_001322005.2); c.2241_2244dup, p.Ser749fs (NM_001322006.2); c.2079_2082dup, p.Ser695fs (NM_001322007.2, NM_001322008.2); c.2025_2028dup, p.Ser677fs (NM_001322009.2); c.1836_1839dup, p.Ser614fs (NM_001322010.2); c.1464_1467dup, p.Ser490fs (NM_001322011.2, NM_001322012.2); c.1824_1827dup, p.Ser610fs (NM_001322013.2); c.2430_2433dup, p.Ser812fs (NM_001322014.2); and 1 more; short protein forms S610fs, S695fs, S698fs, S749fs, S666fs, S490fs, S677fs, S812fs.
Identifiers: ClinVar variation 1393669 (VCV001393669.11), dbSNP rs2128672594, ClinGen allele CA2573141927.

ClinVar aggregate classification (germline): Pathogenic/Likely pathogenic. Review status: criteria provided, multiple submitters, no conflicts (2 of 4 stars). 4 submissions from 4 submitters: Pathogenic (3); Likely pathogenic (1). Last evaluated 2024-12-04.

Conditions:
Hereditary cancer-predisposing syndrome. Also called: Neoplastic Syndromes, Hereditary; Hereditary neoplastic syndrome; Tumor predisposition; Hereditary Cancer Syndrome. Identifiers: Orphanet 140162, MedGen C0027672, MeSH D009386, MONDO:0015356.
Hereditary nonpolyposis colorectal neoplasms. Identifiers: MedGen C0009405, MeSH D003123.
Lynch syndrome 4 (LYNCH4). Also called: Hereditary non-polyposis colorectal cancer, type 4; Colorectal cancer, hereditary nonpolyposis, type 4. Identifiers: Orphanet 144, MedGen C1838333, MONDO:0013699, OMIM 614337. Disease mechanism: loss of function.

Submissions (4):

Ambry Genetics
Classification: Pathogenic for Hereditary cancer-predisposing syndrome. Last evaluated: 2024-12-04. Review status: criteria provided, single submitter. Criteria: Ambry Variant Classification Scheme 2023. Collection method: clinical testing. Allele origin: germline.
Comment: The c.2397_2400dupGCCT pathogenic mutation, located in coding exon 14 of the PMS2 gene, results from a duplication of GCCT at nucleotide position 2397, causing a translational frameshift with a predicted alternate stop codon (p.S801Afs*24). This variant is considered to be rare based on population cohorts in the Genome Aggregation Database (gnomAD). This alteration occurs at the 3' terminus of the PMS2 gene, is not expected to trigger nonsense-mediated mRNA decay, and only impacts the last 7% of the protein. However, premature stop codons are typically deleterious in nature and a significant portion of the protein is affected (Ambry internal data). Based on the supporting evidence, this variant is interpreted as a disease-causing mutation.

Myriad Genetics, Inc.
Classification: Pathogenic for Lynch syndrome 4. Last evaluated: 2023-09-22. Review status: criteria provided, single submitter. Criteria: Myriad Autosomal Dominant, Autosomal Recessive and X-Linked Classification Criteria (2023). Collection method: clinical testing. Allele origin: unknown.
Comment: This variant is considered pathogenic. This variant creates a frameshift predicted to result in premature protein truncation.

Labcorp Genetics (formerly Invitae), Labcorp
Classification: Pathogenic for Hereditary nonpolyposis colorectal neoplasms. Last evaluated: 2022-05-10. Review status: criteria provided, single submitter. Criteria: Invitae Variant Classification Sherloc (09022015). Collection method: clinical testing. Allele origin: germline.
Comment: This sequence change creates a premature translational stop signal (p.Ser801Alafs*24) in the PMS2 gene. While this is not anticipated to result in nonsense mediated decay, it is expected to disrupt the last 62 amino acid(s) of the PMS2 protein. The frequency data for this variant in the population databases (gnomAD) is considered unreliable due to the presence of homologous sequence, such as pseudogenes or paralogs, in the genome. For these reasons, this variant has been classified as Pathogenic. This variant disrupts a region of the PMS2 protein in which other variant(s) (p.Trp841Glyfs*10) have been determined to be pathogenic (PMID: 26116798, 30764633; Invitae). This suggests that this is a clinically significant region of the protein, and that variants that disrupt it are likely to be disease-causing. This premature translational stop signal has been observed in individual(s) with prostate cancer (PMID: 31948886).

Baylor Genetics
Classification: Likely pathogenic for Lynch syndrome 4. Last evaluated: 2021-03-05. Review status: criteria provided, single submitter. Criteria: ACMG Guidelines, 2015. Collection method: clinical testing. Allele origin: unknown.

Literature cited by the submitters: PubMed 26116798 (cited by Labcorp Genetics (formerly Invitae), Labcorp); PubMed 30764633 (cited by Labcorp Genetics (formerly Invitae), Labcorp); PubMed 31948886 (cited by Labcorp Genetics (formerly Invitae), Labcorp).